The following is an entry in ClinVar:

ClinVar aggregate classification (germline): Benign/Likely benign. Review status: criteria provided, multiple submitters, no conflicts (2 of 4 stars). 5 submissions from 5 submitters: Benign (1); Likely benign (4). Last evaluated 2024-06-12.

Conditions:
Hereditary cancer-predisposing syndrome. Also called: Hereditary Cancer Syndrome; Tumor predisposition; Neoplastic Syndromes, Hereditary; Hereditary neoplastic syndrome. Identifiers: Orphanet 140162, MedGen C0027672, MeSH D009386, MONDO:0015356.
Familial cancer of breast. Also called: BREAST CANCER, FAMILIAL; Hereditary breast cancer; hereditary breast carcinoma. Identifiers: Orphanet 227535, MedGen C0346153, MONDO:0016419, OMIM 114480. Disease mechanism: loss of function.
Ataxia-telangiectasia syndrome (AT). Also called: Cerebello-oculocutaneous telangiectasia; Immunodeficiency with ataxia telangiectasia; AT, COMPLEMENTATION GROUP C; Ataxia-telangiectasia, complementation group D; LOUIS-BAR SYNDROME; Ataxia-telangiectasia, complementation group E. Identifiers: Orphanet 100, MedGen C0004135, MONDO:0008840, OMIM 208900.

gnomAD v4.1: 1 of 1,614,082 alleles (0.000062%); highest among the groups gnomAD compares: Non-Finnish European, 0.000085%; no homozygotes.

Submissions (5):

Labcorp Genetics (formerly Invitae), Labcorp
Classification: Likely benign for Ataxia-telangiectasia syndrome. Last evaluated: 2024-06-12. Review status: criteria provided, single submitter. Criteria: Invitae Variant Classification Sherloc (09022015). Collection method: clinical testing. Allele origin: germline.

Myriad Genetics, Inc.
Classification: Benign for Familial cancer of breast. Last evaluated: 2024-04-29. Review status: criteria provided, single submitter. Criteria: Myriad Autosomal Dominant, Autosomal Recessive and X-Linked Classification Criteria (2023). Collection method: clinical testing. Allele origin: unknown.
Comment: This variant is considered benign. This variant is a silent/synonymous amino acid change and it is not expected to impact splicing.

Ambry Genetics
Classification: Likely benign for Hereditary cancer-predisposing syndrome. Last evaluated: 2023-04-18. Review status: criteria provided, single submitter. Criteria: Ambry Variant Classification Scheme 2023. Collection method: clinical testing. Allele origin: germline.

Color Diagnostics, LLC DBA Color Health
Classification: Likely benign for Hereditary cancer-predisposing syndrome. Last evaluated: 2019-11-13. Review status: criteria provided, single submitter. Criteria: ACMG Guidelines, 2015. Collection method: clinical testing. Allele origin: germline.

GeneDx
Classification: Likely benign. Last evaluated: 2017-08-22. Review status: criteria provided, single submitter. Criteria: GeneDx Variant Classification (06012015). Collection method: clinical testing. Allele origin: germline. Affected: yes.
Comment: This variant is considered likely benign or benign based on one or more of the following criteria: it is a conservative change, it occurs at a poorly conserved position in the protein, it is predicted to be benign by multiple in silico algorithms, and/or has population frequency not consistent with disease.

NM_000051.4(ATM):c.1431G>A (p.Lys477=)

Gene: ATM (ATM serine/threonine kinase; plus strand). Cytogenetic location: 11q22.3.
Variant type: single nucleotide variant.
Coding change: c.1431G>A on transcript NM_000051.4 (MANE Select); coding-DNA position 1431, G replaced by A.
Protein change: p.Lys477=; no amino-acid change (lysine 477 retained).
Molecular consequence: synonymous variant.
Genome position (GRCh38, 1-based): chr11:108,250,896, G>A. VCF-style: chr11-108250896-G-A. GRCh37 (hg19) VCF-style: chr11-108121623-G-A.
Other names: c.1431G>A, p.Lys477= (NM_001351834.2).
Identifiers: ClinVar variation 511654 (VCV000511654.14), dbSNP rs1555070941, ClinGen allele CA476744829.